The following is an entry in ClinVar:

ClinVar aggregate classification (germline): Conflicting classifications of pathogenicity. Review status: criteria provided, conflicting classifications (1 of 4 stars). 8 submissions from 7 submitters: Uncertain significance (4); Likely benign (3). 1 of the submissions does not count toward it. Last evaluated 2026-01-25.

Conditions:
Cranioectodermal dysplasia 4 (CED4). Identifiers: Orphanet 1515, MedGen C3280616, MONDO:0013719, OMIM 614378.
Asphyxiating thoracic dystrophy 5 (SRTD5). Also called: SHORT-RIB THORACIC DYSPLASIA 5 WITH OR WITHOUT POLYDACTYLY; SHORT-RIB THORACIC DYSPLASIA 5 WITHOUT POLYDACTYLY. Identifiers: Orphanet 474, MedGen C3280598, MONDO:0013717, OMIM 614376.
WDR19-related disorder. Also called: WDR19-related condition; WDR19-related disorders. Identifiers: MedGen CN380161.
Senior-Loken syndrome 8 (SLSN8). Identifiers: Orphanet 3156, MedGen C4225376, MONDO:0014579, OMIM 616307.

Allele frequency attached by ClinVar (database versions not stated): gnomAD 0.00064 and 0.00069; ESP Exome Variant Server 0.00067; gnomAD exomes 0.00073; TOPMed 0.00077; ExAC 0.00078; 1000 Genomes Project 0.00100; 1000 Genomes Project 30x 0.00125.

Submissions (8):

Labcorp Genetics (formerly Invitae), Labcorp
Classification: Likely benign for Senior-Loken syndrome 8; Asphyxiating thoracic dystrophy 5. Last evaluated: 2026-01-25. Review status: criteria provided, single submitter. Criteria: Invitae Variant Classification Sherloc (09022015). Collection method: clinical testing. Allele origin: germline.

Blueprint Genetics
Classification: Likely benign. Last evaluated: 2024-09-17. Review status: criteria provided, single submitter. Criteria: ACMG Guidelines, 2015. Collection method: clinical testing. Allele origin: germline.

GeneDx
Classification: Uncertain significance. Last evaluated: 2020-09-18. Review status: criteria provided, single submitter. Criteria: GeneDx Variant Classification Process June 2021. Collection method: clinical testing. Allele origin: germline. Affected: yes.
Comment: In silico analysis, which includes protein predictors and evolutionary conservation, supports a deleterious effect; This variant is associated with the following publications: (PMID: 31844813)

ARUP Laboratories, Molecular Genetics and Genomics, ARUP Laboratories
Classification: Uncertain significance. Last evaluated: 2020-01-13. Review status: criteria provided, single submitter. Criteria: ARUP Molecular Germline Variant Investigation Process. Collection method: clinical testing. Allele origin: germline.
Comment: The WDR19 c.2608G>A; p.Asp870Asn variant (rs201963605) has not been reported in association with a skeletal dysplasia, but is reported in the homozygous state in two siblings with a ciliopathy suggestive of Meckel Gruber syndrome (Al Alawi 2019). This variant is reported in ClinVar (Variation ID: 423393), and is found in the South Asian population with an overall allele frequency of 0.29% (88/30600 alleles) in the Genome Aggregation Database. The aspartate at codon 870 is highly conserved, but computational analyses (SIFT: damaging, PolyPhen-2: benign) predict conflicting effects of this variant on protein structure/function. Given the lack of clinical and functional data, the significance of the p.Asp870Asn variant is uncertain at this time. References: Al Alawi I et al. Molecular Genetic Diagnosis of Omani Patients With Inherited Cystic Kidney Disease. Kidney Int Rep. 2019 Aug 30;4(12):1751-1759.

Genetic Services Laboratory, University of Chicago
Classification: Uncertain significance. Last evaluated: 2018-02-28. Review status: criteria provided, single submitter. Criteria: ACMG Guidelines, 2015. Collection method: clinical testing. Allele origin: germline. Affected: no.

Illumina Laboratory Services, Illumina
Classification: Uncertain significance for Asphyxiating thoracic dystrophy 5. Last evaluated: 2018-01-12. Review status: criteria provided, single submitter. Criteria: ICSL Variant Classification Criteria 13 December 2019. Collection method: clinical testing. Allele origin: germline.

Illumina Laboratory Services, Illumina
Classification: Likely benign for Cranioectodermal dysplasia 4. Last evaluated: 2018-01-12. Review status: criteria provided, single submitter. Criteria: ICSL Variant Classification Criteria 13 December 2019. Collection method: clinical testing. Allele origin: germline.
Comment: This variant was observed in the ICSL laboratory as part of a predisposition screen in an ostensibly healthy population. It had not been previously curated by ICSL or reported in the Human Gene Mutation Database (HGMD: prior to June 1st, 2018), and was therefore a candidate for classification through an automated scoring system. Utilizing variant allele frequency, disease prevalence and penetrance estimates, and inheritance mode, an automated score was calculated to assess if this variant is too frequent to cause the disease. Based on the score and internal cut-off values, a variant classified as likely benign is not then subjected to further curation. The score for this variant resulted in a classification of likely benign for this disease.

PreventionGenetics, part of Exact Sciences
Classification: Likely benign for WDR19-related condition. Last evaluated: 2023-09-11. Review status: no assertion criteria provided. Collection method: clinical testing. Allele origin: germline. Not counted in ClinVar's aggregate classification.
Comment: This variant is classified as likely benign based on ACMG/AMP sequence variant interpretation guidelines (Richards et al. 2015 PMID: 25741868, with internal and published modifications).

NM_025132.4(WDR19):c.2608G>A (p.Asp870Asn)

Gene: WDR19 (WD repeat domain 19; plus strand). Cytogenetic location: 4p14.
Variant type: single nucleotide variant.
Coding change: c.2608G>A on transcript NM_025132.4 (MANE Select); coding-DNA position 2608, G replaced by A.
Protein change: p.Asp870Asn; replaces aspartic acid 870 with asparagine.
Molecular consequence: missense variant.
Genome position (GRCh38, 1-based): chr4:39,244,515, G>A. VCF-style: chr4-39244515-G-A. GRCh37 (hg19) VCF-style: chr4-39246135-G-A.
Other names: c.2128G>A, p.Asp710Asn (NM_001317924.2); short protein forms D870N, D710N.
Identifiers: ClinVar variation 423393 (VCV000423393.31), dbSNP rs201963605, ClinGen allele CA2892126.
Genomic context (GRCh38, chr4:39,244,515, plus strand): 5'-CCTGTCTTATTTTAGCAATTTTCAGAAGCGGCCCAACTGTATGAAAAAGGTCTCTACTAC[G>A]ATAAAGCAGCATCTGTTTACATCCGCTCTAAGAATTGGTAAGAGCTGCCTGCGGTTTGTT-3'
Protein context (NP_079408.3, residues 860-880): AQLYEKGLYY[Asp870Asn]KAASVYIRSK